The following is an entry in ClinVar:

ClinVar aggregate classification (germline): Pathogenic (1 of 4 stars; one submission).

Conditions:
Duchenne muscular dystrophy (DMD). Also called: MUSCULAR DYSTROPHY, PSEUDOHYPERTROPHIC PROGRESSIVE, DUCHENNE TYPE; Duchenne Muscular Dystrophy (DMD). Identifiers: Orphanet 98896, MedGen C0013264, MONDO:0010679, OMIM 310200.

Submission:

Labcorp Genetics (formerly Invitae), Labcorp
Classification: Pathogenic for Duchenne muscular dystrophy. Last evaluated: 2018-05-30. Review status: criteria provided, single submitter. Criteria: Invitae Variant Classification Sherloc (09022015). Collection method: clinical testing. Allele origin: unknown.
Comment: This variant has not been reported in the literature in individuals with DMD-related disease. For these reasons, this variant has been classified as Pathogenic. Loss-of-function variants in DMD are known to be pathogenic (PMID: 16770791, 25007885). This variant is a gross deletion of the genomic region encompassing part of intron 11, including the intron 11 - exon 12 boundary, all of exons 12-22, and the first 38 nucleotides of exon 23 of the DMD gene, including the intron 22-exon 23 boundary (c.1332-2438_2987del). This likely creates a premature translational stop signal and is expected to result in an absent or disrupted protein product.

Literature cited by the submitters: PubMed 16770791; PubMed 25007885.

NC_000023.10:g.(?_32486790)_(32635008_?)del

Gene: DMD (dystrophin; minus strand). Cytogenetic location: Xp21.1.
Variant type: Deletion.
Identifiers: ClinVar variation 3243516 (VCV003243516.1).